The following is an entry in ClinVar:

ClinVar aggregate classification (germline): Uncertain significance (1 of 4 stars; one submission).

Allele frequency attached by ClinVar (database versions not stated): gnomAD exomes below 0.00001.
gnomAD v4.1: 1 of 1,609,352 alleles (0.000062%); no homozygotes.

Submission:

GeneDx
Classification: Uncertain significance. Last evaluated: 2022-12-01. Review status: criteria provided, single submitter. Criteria: GeneDx Variant Classification Process June 2021. Collection method: clinical testing. Allele origin: germline. Affected: yes.
Comment: Not observed at significant frequency in large population cohorts (gnomAD); In silico analysis supports that this missense variant has a deleterious effect on protein structure/function; Has not been previously published as pathogenic or benign to our knowledge

NM_003482.4(KMT2D):c.8060G>A (p.Arg2687Gln)

Gene: KMT2D (lysine methyltransferase 2D; minus strand). Cytogenetic location: 12q13.12.
Variant type: single nucleotide variant.
Coding change: c.8060G>A on transcript NM_003482.4 (MANE Select); coding-DNA position 8060, G replaced by A.
Protein change: p.Arg2687Gln; replaces arginine 2687 with glutamine.
Molecular consequence: missense variant.
Genome position (GRCh38, 1-based): chr12:49,039,604, C>T on the plus strand (G>A on the coding strand, the complement: KMT2D is on the minus strand). VCF-style: chr12-49039604-C-T. GRCh37 (hg19) VCF-style: chr12-49433387-C-T.
Other names: short protein forms R2687Q.
Identifiers: ClinVar variation 2504317 (VCV002504317.1), dbSNP rs2120513456, ClinGen allele CA384745547.